The following is an entry in ClinVar:

NM_201599.3(ZMYM3):c.1192C>T (p.Pro398Ser)

Gene: ZMYM3 (zinc finger MYM-type containing 3; minus strand). Cytogenetic location: Xq13.1.
Variant type: single nucleotide variant.
Coding change: c.1192C>T on transcript NM_201599.3 (MANE Select); coding-DNA position 1192, C replaced by T.
Protein change: p.Pro398Ser; replaces proline 398 with serine.
Molecular consequence: missense variant.
Genome position (GRCh38, 1-based): chrX:71,250,085, G>A on the plus strand (C>T on the coding strand, the complement: ZMYM3 is on the minus strand). VCF-style: chrX-71250085-G-A. GRCh37 (hg19) VCF-style: chrX-70469935-G-A.
Other names: c.1192C>T, p.Pro398Ser (NM_001171162.1, NM_001171163.1, NM_005096.3); short protein forms P398S.
Identifiers: ClinVar variation 2444613 (VCV002444613.1), dbSNP rs2030382289, ClinGen allele CA413521677.

ClinVar aggregate classification (germline): Uncertain significance (1 of 4 stars; one submission).

Allele frequency attached by ClinVar (database versions not stated): gnomAD exomes below 0.00001; TOPMed below 0.00001; gnomAD 0.00001.
gnomAD v4.1: 2 of 1,203,394 alleles (0.00017%); highest among the groups gnomAD compares: Non-Finnish European, 0.00022%; no homozygotes.

Submission:

GeneDx
Classification: Uncertain significance. Last evaluated: 2023-03-17. Review status: criteria provided, single submitter. Criteria: GeneDx Variant Classification Process June 2021. Collection method: clinical testing. Allele origin: germline. Affected: yes.
Comment: Not observed in large population cohorts (gnomAD); In silico analysis supports that this missense variant does not alter protein structure/function; Reported using an alternate transcript of the gene; This variant is associated with the following publications: (PMID: 36586412)